The following is an entry in ClinVar:

NM_001040108.2(MLH3):c.2042A>T (p.Tyr681Phe)

Gene: MLH3 (mutL homolog 3; minus strand). Cytogenetic location: 14q24.3.
Variant type: single nucleotide variant.
Coding change: c.2042A>T on transcript NM_001040108.2 (MANE Select); coding-DNA position 2042, A replaced by T.
Protein change: p.Tyr681Phe; replaces tyrosine 681 with phenylalanine.
Molecular consequence: missense variant.
Genome position (GRCh38, 1-based): chr14:75,047,614, T>A on the plus strand (A>T on the coding strand, the complement: MLH3 is on the minus strand). VCF-style: chr14-75047614-T-A. GRCh37 (hg19) VCF-style: chr14-75514317-T-A.
Other names: c.2042A>T, p.Tyr681Phe (NM_014381.3); short protein forms Y681F.
Identifiers: ClinVar variation 1784924 (VCV001784924.2), dbSNP rs2503279985, ClinGen allele CA390443262.
Genomic context (GRCh38, chr14:75,047,614, plus strand): 5'-CTACCTTCCTGAAAAGCAGAAAACATTGTATAAGTTGCTGTAGGTTCATTCTCTAGCCCA[T>A]AACTTATATTCGTTCTGCAATTTTTTTTGTTGGGCAATTGACCAGATTCTTTACTTAAAG-3'
Protein context (NP_001035197.1, residues 671-691): NKKNCRTNIS[Tyr681Phe]GLENEPTATY

ClinVar aggregate classification (germline): Uncertain significance (1 of 4 stars; one submission).

Submission:

Ambry Genetics
Classification: Uncertain significance. Last evaluated: 2024-02-24. Review status: criteria provided, single submitter. Criteria: Ambry Variant Classification Scheme 2023. Collection method: clinical testing. Allele origin: germline.
Comment: The p.Y681F variant (also known as c.2042A>T), located in coding exon 1 of the MLH3 gene, results from an A to T substitution at nucleotide position 2042. The tyrosine at codon 681 is replaced by phenylalanine, an amino acid with highly similar properties. This amino acid position is conserved. In addition, this alteration is predicted to be tolerated by in silico analysis. Since supporting evidence is limited at this time, the clinical significance of this alteration remains unclear.